The following is an entry in ClinVar:

NM_005097.4(LGI1):c.726T>G (p.Phe242Leu)

Gene: LGI1 (leucine rich glioma inactivated 1; plus strand). Cytogenetic location: 10q23.33.
Variant type: single nucleotide variant.
Coding change: c.726T>G on transcript NM_005097.4 (MANE Select); coding-DNA position 726, T replaced by G.
Protein change: p.Phe242Leu; replaces phenylalanine 242 with leucine.
Molecular consequence: missense variant. On other transcripts: non-coding transcript variant (1).
Genome position (GRCh38, 1-based): chr10:93,793,238, T>G. VCF-style: chr10-93793238-T-G. GRCh37 (hg19) VCF-style: chr10-95552995-T-G.
Other names: c.726T>G, p.Phe242Leu (NM_001308275.2); c.582T>G, p.Phe194Leu (NM_001308276.2); c.726T>G (NM_005097.2); short protein forms F194L, F242L.
Identifiers: ClinVar variation 1024011 (VCV001024011.50), dbSNP rs2059951247, ClinGen allele CA377624110.
Genomic context (GRCh38, chr10:93,793,238, plus strand): 5'-TTTTGCAGAATTTGCAAAGTCTCAAGACCTGCCTTATCAATCATTGTCCATAGACACTTT[T>G]TCTTATTTGAATGATGAGTATGTAGTCATCGCTCAGCCTTTTACTGGAAAATGCATTTTC-3'
Protein context (NP_005088.1, residues 232-252): LPYQSLSIDT[Phe242Leu]SYLNDEYVVI

ClinVar aggregate classification (germline): Uncertain significance. Review status: criteria provided, multiple submitters, no conflicts (2 of 4 stars). 2 submissions from 2 submitters: Uncertain significance (2). Last evaluated 2026-09-29.

Conditions:
Autosomal dominant epilepsy with auditory features. Identifiers: Orphanet 101046, MedGen C1838062, MONDO:0010898.

Submissions (2):

GeneDx
Classification: Uncertain significance. Last evaluated: 2026-09-29. Review status: criteria provided, single submitter. Criteria: GeneDx Variant Classification Process June 2021. Collection method: clinical testing. Allele origin: germline.
Comment: Not observed at significant frequency in large population cohorts (gnomAD); In silico analysis supports that this missense variant has a deleterious effect on protein structure/function; Has not been previously published as pathogenic or benign to our knowledge

Labcorp Genetics (formerly Invitae), Labcorp
Classification: Uncertain significance for Autosomal dominant epilepsy with auditory features. Last evaluated: 2022-02-22. Review status: criteria provided, single submitter. Criteria: Invitae Variant Classification Sherloc (09022015). Collection method: clinical testing. Allele origin: germline.
Comment: This variant has not been reported in the literature in individuals affected with LGI1-related conditions. In summary, the available evidence is currently insufficient to determine the role of this variant in disease. Therefore, it has been classified as a Variant of Uncertain Significance. Algorithms developed to predict the effect of missense changes on protein structure and function are either unavailable or do not agree on the potential impact of this missense change (SIFT: "Tolerated"; PolyPhen-2: "Probably Damaging"; Align-GVGD: "Class C0"). ClinVar contains an entry for this variant (Variation ID: 1024011). This variant is not present in population databases (gnomAD no frequency). This sequence change replaces phenylalanine, which is neutral and non-polar, with leucine, which is neutral and non-polar, at codon 242 of the LGI1 protein (p.Phe242Leu).